The following is an entry in ClinVar:

NM_006648.4(WNK2):c.5071A>G (p.Arg1691Gly)

Gene: WNK2 (WNK lysine deficient protein kinase 2; plus strand). Cytogenetic location: 9q22.31.
Variant type: single nucleotide variant.
Coding change: c.5071A>G on transcript NM_006648.4 (MANE Select); coding-DNA position 5071, A replaced by G.
Protein change: p.Arg1691Gly; replaces arginine 1691 with glycine.
Molecular consequence: missense variant.
Genome position (GRCh38, 1-based): chr9:93,292,536, A>G. VCF-style: chr9-93292536-A-G. GRCh37 (hg19) VCF-style: chr9-96054818-A-G.
Other names: c.5182A>G, p.Arg1728Gly (NM_001282394.3); short protein forms R1728G, R1691G.
Identifiers: ClinVar variation 4201750 (VCV004201750.1).

ClinVar aggregate classification (germline): Uncertain significance (1 of 4 stars; one submission).

gnomAD v4.1: 5 of 1,579,012 alleles (0.00032%); highest among the groups gnomAD compares: Admixed American, 0.0087%; no homozygotes.

Submission:

Ambry Genetics
Classification: Uncertain significance. Last evaluated: 2025-08-14. Review status: criteria provided, single submitter. Criteria: Ambry Variant Classification Scheme 2023. Collection method: clinical testing. Allele origin: germline.
Comment: The p.R1691G variant (also known as c.5071A>G), located in coding exon 22 of the WNK2 gene, results from an A to G substitution at nucleotide position 5071. The arginine at codon 1691 is replaced by glycine, an amino acid with dissimilar properties. This amino acid position is conserved. In addition, this alteration is predicted to be tolerated by in silico analysis. Based on the available evidence, the clinical significance of this variant remains unclear.